The following is an entry in ClinVar:

ClinVar aggregate classification (germline): Pathogenic/Likely pathogenic. Review status: criteria provided, multiple submitters, no conflicts (2 of 4 stars). 2 submissions from 2 submitters: Pathogenic (1); Likely pathogenic (1). Last evaluated 2024-04-28.

Conditions:
Walker-Warburg congenital muscular dystrophy. Also called: Muscular dystrophy-dystroglycanopathy, type A; Walker-Warburg syndrome. Identifiers: Orphanet 899, MedGen C0265221, MONDO:0000171.
Muscular dystrophy-dystroglycanopathy (congenital with brain and eye anomalies), type A5. Also called: WALKER-WARBURG SYNDROME OR MUSCLE-EYE-BRAIN DISEASE, FKRP-RELATED; MUSCULAR DYSTROPHY-DYSTROGLYCANOPATHY (CONGENITAL WITH BRAIN AND EYE ANOMALIES), TYPE A, 5. Identifiers: Orphanet 588, Orphanet 899, MedGen C3150413, MONDO:0013157, OMIM 613153.
Autosomal recessive limb-girdle muscular dystrophy type 2I. Also called: MUSCULAR DYSTROPHY, LIMB-GIRDLE, TYPE 2I; MUSCULAR DYSTROPHY-DYSTROGLYCANOPATHY, LIMB-GIRDLE, FRKP-RELATED; MUSCULAR DYSTROPHY-DYSTROGLYCANOPATHY (LIMB-GIRDLE), TYPE C, 5. Identifiers: Orphanet 34515, MedGen C1846672, MONDO:0011787, OMIM 607155.
Muscular dystrophy-dystroglycanopathy type B5 (MDDGB5). Also called: MUSCULAR DYSTROPHY, CONGENITAL, 1C; MUSCULAR DYSTROPHY, CONGENITAL, FKRP-RELATED; MUSCULAR DYSTROPHY-DYSTROGLYCANOPATHY (CONGENITAL WITH OR WITHOUT IMPAIRED INTELLECTUAL DEVELOPMENT), TYPE B, 5. Identifiers: MedGen C1847759, MONDO:0011688, OMIM 606612.

Submissions (2):

Fulgent Genetics
Classification: Likely pathogenic for Muscular dystrophy-dystroglycanopathy type B5; Autosomal recessive limb-girdle muscular dystrophy type 2I; Muscular dystrophy-dystroglycanopathy (congenital with brain and eye anomalies), type A5. Last evaluated: 2024-04-28. Review status: criteria provided, single submitter. Criteria: ACMG Guidelines, 2015. Collection method: clinical testing. Allele origin: germline.

Labcorp Genetics (formerly Invitae), Labcorp
Classification: Pathogenic for Walker-Warburg congenital muscular dystrophy. Last evaluated: 2023-02-04. Review status: criteria provided, single submitter. Criteria: Invitae Variant Classification Sherloc (09022015). Collection method: clinical testing. Allele origin: germline.
Comment: This sequence change creates a premature translational stop signal (p.Cys191Profs*78) in the FKRP gene. While this is not anticipated to result in nonsense mediated decay, it is expected to disrupt the last 305 amino acid(s) of the FKRP protein. This variant is present in population databases (no rsID available, gnomAD 0.01%). This premature translational stop signal has been observed in individual(s) with limb girdle muscular dystrophy (PMID: 34509255). ClinVar contains an entry for this variant (Variation ID: 1071118). This variant disrupts a region of the FKRP protein in which other variant(s) (p.Ser385*) have been determined to be pathogenic (PMID: 11592034, 12666124, 12707425, 14742276). This suggests that this is a clinically significant region of the protein, and that variants that disrupt it are likely to be disease-causing. For these reasons, this variant has been classified as Pathogenic.

Literature cited by the submitters: PubMed 34509255 (cited by Labcorp Genetics (formerly Invitae), Labcorp); PubMed 11592034 (cited by Labcorp Genetics (formerly Invitae), Labcorp); PubMed 12666124 (cited by Labcorp Genetics (formerly Invitae), Labcorp); PubMed 12707425 (cited by Labcorp Genetics (formerly Invitae), Labcorp); PubMed 14742276 (cited by Labcorp Genetics (formerly Invitae), Labcorp).

NM_024301.5(FKRP):c.540_570dup (p.Cys191fs)

Gene: FKRP (fukutin related protein; plus strand). Cytogenetic location: 19q13.32.
Variant type: Duplication.
Coding change: c.540_570dup on transcript NM_024301.5 (MANE Select); coding-DNA positions 540 to 570, 31 bases duplicated.
Protein change: p.Cys191fs; shifts the reading frame from cysteine 191.
Molecular consequence: frameshift variant.
Genome position (GRCh38, 1-based): chr19:46,755,990-46,756,020, 31 bases duplicated; duplicating any 31 consecutive bases within chr19:46,755,986-46,756,020 gives the same sequence; the c. name uses the placement nearest the transcript's 3' end. GRCh37 (hg19): chr19:47,259,247-47,259,277.
Other names: c.540_570dup, p.Cys191fs (NM_001039885.3); short protein forms C191fs.
Identifiers: ClinVar variation 1071118 (VCV001071118.10), dbSNP rs1311148380, ClinGen allele CA633484279.